The following is an entry in ClinVar:

ClinVar aggregate classification (germline): Uncertain significance (1 of 4 stars; one submission).

gnomAD v4.1: 5 of 1,612,992 alleles (0.00031%); highest among the groups gnomAD compares: African/African-American, 0.0067%; no homozygotes.

Submission:

GeneDx
Classification: Uncertain significance. Last evaluated: 2026-03-10. Review status: criteria provided, single submitter. Criteria: GeneDx Variant Classification Process June 2021. Collection method: clinical testing. Allele origin: germline.
Comment: Not observed at significant frequency in large population cohorts (gnomAD); In silico analysis suggests that this missense variant does not alter protein structure/function; Has not been previously published as pathogenic or benign to our knowledge

NM_015627.3(LDLRAP1):c.830C>G (p.Thr277Arg)

Gene: LDLRAP1 (low density lipoprotein receptor adaptor protein 1; plus strand). Cytogenetic location: 1p36.11.
Variant type: single nucleotide variant.
Coding change: c.830C>G on transcript NM_015627.3 (MANE Select); coding-DNA position 830, C replaced by G.
Protein change: p.Thr277Arg; replaces threonine 277 with arginine.
Molecular consequence: missense variant.
Genome position (GRCh38, 1-based): chr1:25,566,895, C>G. VCF-style: chr1-25566895-C-G. GRCh37 (hg19) VCF-style: chr1-25893386-C-G.
Other names: short protein forms T277R.
Identifiers: ClinVar variation 5008806 (VCV005008806.1).